The following is an entry in ClinVar:

NM_006445.4(PRPF8):c.5804G>A (p.Arg1935His)

Gene: PRPF8 (pre-mRNA processing factor 8; minus strand). Cytogenetic location: 17p13.3.
Variant type: single nucleotide variant.
Coding change: c.5804G>A on transcript NM_006445.4 (MANE Select); coding-DNA position 5804, G replaced by A.
Protein change: p.Arg1935His; replaces arginine 1935 with histidine.
Molecular consequence: missense variant.
Genome position (GRCh38, 1-based): chr17:1,655,533, C>T on the plus strand (G>A on the coding strand, the complement: PRPF8 is on the minus strand). VCF-style: chr17-1655533-C-T. GRCh37 (hg19) VCF-style: chr17-1558827-C-T.
Other names: short protein forms R1935H.
Identifiers: ClinVar variation 546782 (VCV000546782.57), dbSNP rs1555550617, ClinGen allele CA397569804.

ClinVar aggregate classification (germline): Pathogenic/Likely pathogenic. Review status: criteria provided, multiple submitters, no conflicts (2 of 4 stars). 10 submissions from 10 submitters: Pathogenic (4); Likely pathogenic (5). 1 of the submissions does not count toward it. Last evaluated 2025-12-09.

Conditions:
Retinitis pigmentosa 13 (RP13). Also called: PRPF 8-Related Retinitis Pigmentosa. Identifiers: Orphanet 791, MedGen C1838702, MONDO:0010806, OMIM 600059.
PRPF8-related disorder. Also called: PRPF8-related condition.
Retinal dystrophy. Also called: Inherited retinal dystrophy. Identifiers: Orphanet 71862, MedGen C0854723, MeSH D058499, MONDO:0019118, HP:0000556.
Retinitis pigmentosa (RP). Identifiers: Orphanet 791, MedGen C0035334, MeSH D012174, MONDO:0019200, OMIM 268000. Inheritance: Autosomal dominant, autosomal recessive and X linked inheritance.

Submissions (10):

Labcorp Genetics (formerly Invitae), Labcorp
Classification: Pathogenic. Last evaluated: 2025-12-09. Review status: criteria provided, single submitter. Criteria: Invitae Variant Classification Sherloc (09022015). Collection method: clinical testing. Allele origin: germline.
Comment: This sequence change replaces arginine, which is basic and polar, with histidine, which is basic and polar, at codon 1935 of the PRPF8 protein (p.Arg1935His). This variant is not present in population databases (gnomAD no frequency). This missense change has been observed in individuals with autosomal dominant retinitis pigmentosa (PMID: 24938718; internal data). It has also been observed to segregate with disease in related individuals. ClinVar contains an entry for this variant (Variation ID: 546782). Invitae Evidence Modeling of protein sequence and biophysical properties (such as structural, functional, and spatial information, amino acid conservation, physicochemical variation, residue mobility, and thermodynamic stability) indicates that this missense variant is expected to disrupt PRPF8 protein function with a positive predictive value of 80%. For these reasons, this variant has been classified as Pathogenic.

PreventionGenetics, part of Exact Sciences
Classification: Pathogenic for PRPF8-related condition. Last evaluated: 2025-02-28. Review status: criteria provided, single submitter. Criteria: ACMG Guidelines, 2015. Collection method: clinical testing. Allele origin: germline.
Comment: The PRPF8 c.5804G>A variant is predicted to result in the amino acid substitution p.Arg1935His. This variant has been reported, sometimes as arising de novo, in individuals with retinitis pigmentosa (see for examples Xu et al. 2014. PubMed ID: 24938718; Table S2, Sharon et al. 2020. PubMed ID: 31456290; Bell et al. 2021. PubMed ID: 33494148; Table S4, Best et al. 2022. PubMed ID: 34716235). This variant has not been reported in a large population database (gnomAD), indicating this variant is rare. This variant is interpreted as pathogenic.

GeneDx
Classification: Pathogenic. Last evaluated: 2023-10-05. Review status: criteria provided, single submitter. Criteria: GeneDx Variant Classification Process June 2021. Collection method: clinical testing. Allele origin: germline. Affected: yes.
Comment: In silico analysis supports that this missense variant has a deleterious effect on protein structure/function; Not observed at significant frequency in large population cohorts (gnomAD); This variant is associated with the following publications: (PMID: 27160483, 33494148, 31456290, 33712029, 24938718, 34716235, 32531858, 35138024)

Dept Of Ophthalmology, Nagoya University
Classification: Likely pathogenic for Retinal dystrophy. Last evaluated: 2023-10-01. Review status: criteria provided, single submitter. Criteria: Submitter's publication. Collection method: research. Allele origin: germline. Affected: yes.

Blueprint Genetics
Classification: Pathogenic for PRPF8-related disorders. Last evaluated: 2022-11-17. Review status: criteria provided, single submitter. Criteria: ACMG Guidelines, 2015. Collection method: clinical testing. Allele origin: germline. Affected: yes. Observed: 5 variant alleles.

Institute of Medical Genetics and Applied Genomics, University Hospital Tübingen
Classification: Likely pathogenic. Last evaluated: 2021-06-17. Review status: criteria provided, single submitter. Criteria: ACMG Guidelines, 2015. Collection method: clinical testing. Allele origin: germline. Inheritance: Autosomal dominant inheritance. Affected: yes.

Molecular Diagnostics Laboratory, M Health Fairview: University of Minnesota
Classification: Likely pathogenic for Retinitis pigmentosa 13. Last evaluated: 2018-10-29. Review status: criteria provided, single submitter. Criteria: ACMG Guidelines, 2015. Collection method: clinical testing. Allele origin: germline. Affected: yes. Observed: 1 variant allele.

CeGaT Center for Human Genetics Tuebingen
Classification: Likely pathogenic. Last evaluated: 2018-02-01. Review status: criteria provided, single submitter. Criteria: CeGaT Center For Human Genetics Tuebingen Variant Classification Criteria Version 2. Collection method: clinical testing. Allele origin: germline. Affected: yes. Observed: 1 variant allele.

Institute of Human Genetics, Univ. Regensburg, Univ. Regensburg
Classification: Likely pathogenic for Retinal dystrophy. Last evaluated: 2018-01-01. Review status: criteria provided, single submitter. Criteria: ACMG Guidelines, 2015. Collection method: clinical testing. Allele origin: germline. Affected: yes.

Sharon lab, Hadassah-Hebrew University Medical Center
Classification: Likely pathogenic for Retinitis pigmentosa. Last evaluated: 2019-06-23. Review status: no assertion criteria provided. Collection method: research. Allele origin: inherited. Affected: yes. Not counted in ClinVar's aggregate classification.

Literature cited by the submitters: PubMed 24938718 (cited by 3 submitters); PubMed 31456290 (cited by Institute of Human Genetics, Univ. Regensburg, Univ. Regensburg); PubMed 32531858 (cited by Institute of Human Genetics, Univ. Regensburg, Univ. Regensburg); PubMed 33494148 (cited by Institute of Human Genetics, Univ. Regensburg, Univ. Regensburg); PubMed 33712029 (cited by Institute of Human Genetics, Univ. Regensburg, Univ. Regensburg); PubMed 33749171 (cited by Institute of Human Genetics, Univ. Regensburg, Univ. Regensburg); PubMed 34716235 (cited by Institute of Human Genetics, Univ. Regensburg, Univ. Regensburg); PubMed 35138024 (cited by Institute of Human Genetics, Univ. Regensburg, Univ. Regensburg).